The following is an entry in ClinVar:

NM_030948.6(PHACTR1):c.1235-1G>C

Gene: PHACTR1 (phosphatase and actin regulator 1; plus strand). Cytogenetic location: 6p24.1.
Variant type: single nucleotide variant.
Coding change: c.1235-1G>C on transcript NM_030948.6 (MANE Select); the canonical splice acceptor site of the intron before coding-DNA position 1235, G replaced by C.
Molecular consequence: splice acceptor variant.
Genome position (GRCh38, 1-based): chr6:13,230,036, G>C. VCF-style: chr6-13230036-G-C. GRCh37 (hg19) VCF-style: chr6-13230268-G-C.
Other names: c.1235-1G>C (NM_001242648.4, NM_001374581.2, NM_001322308.3 and 1 more transcripts); c.1442-1G>C (NM_001374582.1, NM_001322310.2); c.1166-1G>C (NM_001322313.2); c.959-1G>C (NM_001322312.3, NM_001322311.2, NM_001374583.2); c.1445-1G>C (NM_001322314.4).
Identifiers: ClinVar variation 3342780 (VCV003342780.2).

ClinVar aggregate classification (germline): Uncertain significance (1 of 4 stars; one submission).

Submission:

GeneDx
Classification: Uncertain significance. Last evaluated: 2026-03-26. Review status: criteria provided, single submitter. Criteria: GeneDx Variant Classification Process June 2021. Collection method: clinical testing. Allele origin: germline.
Comment: Not observed at significant frequency in large population cohorts (gnomAD); Canonical splice site variant in a gene or region of a gene for which loss of function is not a well-established mechanism of disease; Has not been previously published as pathogenic or benign to our knowledge